The following is an entry in ClinVar:

ClinVar aggregate classification (germline): Benign (1 of 4 stars; one submission).

Allele frequency attached by ClinVar (database versions not stated): gnomAD 0.02815 and 0.03034; 1000 Genomes Project 0.03095; TOPMed 0.03219; 1000 Genomes Project 30x 0.03310.

Submission:

GeneDx
Classification: Benign. Last evaluated: 2018-06-16. Review status: criteria provided, single submitter. Criteria: GeneDx Variant Classification (06012015). Collection method: clinical testing. Allele origin: germline. Affected: yes.
Comment: This variant is considered likely benign or benign based on one or more of the following criteria: it is a conservative change, it occurs at a poorly conserved position in the protein, it is predicted to be benign by multiple in silico algorithms, and/or has population frequency not consistent with disease.

NM_014365.3(HSPB8):c.431+220C>T

Gene: HSPB8 (heat shock protein family B (small) member 8; plus strand). Cytogenetic location: 12q24.23.
Variant type: single nucleotide variant.
Coding change: c.431+220C>T on transcript NM_014365.3 (MANE Select); 220 bases into the intron after coding-DNA position 431, C replaced by T.
Molecular consequence: intron variant.
Genome position (GRCh38, 1-based): chr12:119,187,308, C>T. VCF-style: chr12-119187308-C-T. GRCh37 (hg19) VCF-style: chr12-119625113-C-T.
Identifiers: ClinVar variation 677278 (VCV000677278.1), dbSNP rs76869412, ClinGen allele CA244340263.